The following is an entry in ClinVar:

ClinVar aggregate classification (germline): Likely benign. Review status: criteria provided, multiple submitters, no conflicts (2 of 4 stars). 5 submissions from 5 submitters: Likely benign (4). 1 of the submissions does not count toward it. Last evaluated 2026-09-01.

Conditions:
PRX-related disorder. Also called: PRX-Related Disorders; PRX-related condition.
Charcot-Marie-Tooth disease type 4. Also called: Charcot-Marie-Tooth, Type 4; Charcot-Marie-Tooth disease, type IV. Identifiers: Orphanet 64749, MedGen C4082197, MONDO:0018995.

Allele frequency attached by ClinVar (database versions not stated): gnomAD exomes 0.00008; ExAC 0.00010; ESP Exome Variant Server 0.00015; gnomAD 0.00023 and 0.00027; TOPMed 0.00029; 1000 Genomes Project 30x 0.00031; 1000 Genomes Project 0.00040.

Submissions (5):

CeGaT Center for Human Genetics Tuebingen
Classification: Likely benign. Last evaluated: 2026-09-01. Review status: criteria provided, single submitter. Criteria: CeGaT Center For Human Genetics Tuebingen Variant Classification Criteria Version 2. Collection method: clinical testing. Allele origin: germline. Affected: yes. Observed: 1 variant allele.
Comment: PRX: BP4, BP7

Mayo Clinic Laboratories, Mayo Clinic
Classification: Likely benign. Last evaluated: 2025-12-07. Review status: criteria provided, single submitter. Criteria: ACMG Guidelines, 2015. Collection method: clinical testing. Allele origin: germline. Observed: 1 variant allele.
Comment: BP4, BP7

Labcorp Genetics (formerly Invitae), Labcorp
Classification: Likely benign for Charcot-Marie-Tooth disease type 4. Last evaluated: 2024-11-30. Review status: criteria provided, single submitter. Criteria: Invitae Variant Classification Sherloc (09022015). Collection method: clinical testing. Allele origin: germline.

Breakthrough Genomics
Classification: Likely benign. Review status: criteria provided, single submitter. Criteria: ACMG Guidelines, 2015. Collection method: not provided. Allele origin: germline. Inheritance: Autosomal recessive inheritance. Affected: yes.

PreventionGenetics, part of Exact Sciences
Classification: Likely benign for PRX-related condition. Last evaluated: 2019-08-27. Review status: no assertion criteria provided. Collection method: clinical testing. Allele origin: germline. Not counted in ClinVar's aggregate classification.
Comment: This variant is classified as likely benign based on ACMG/AMP sequence variant interpretation guidelines (Richards et al. 2015 PMID: 25741868, with internal and published modifications).

NM_181882.3(PRX):c.2106C>T (p.Pro702=)

Gene: PRX (periaxin; minus strand). Cytogenetic location: 19q13.2.
Variant type: single nucleotide variant.
Coding change: c.2106C>T on transcript NM_181882.3 (MANE Select); coding-DNA position 2106, C replaced by T.
Protein change: p.Pro702=; no amino-acid change (proline 702 retained).
Molecular consequence: synonymous variant. On other transcripts: 3 prime UTR variant (1).
Genome position (GRCh38, 1-based): chr19:40,396,246, G>A on the plus strand (C>T on the coding strand, the complement: PRX is on the minus strand). VCF-style: chr19-40396246-G-A. GRCh37 (hg19) VCF-style: chr19-40902153-G-A.
Other names: p.Pro702=; c.*2311C>T (NM_020956.2).
Identifiers: ClinVar variation 698332 (VCV000698332.16), dbSNP rs183461864, ClinGen allele CA9444122.